The following is an entry in ClinVar:

ClinVar aggregate classification (germline): Conflicting classifications of pathogenicity. Review status: criteria provided, conflicting classifications (1 of 4 stars). 28 submissions from 28 submitters: Pathogenic (22); Likely pathogenic (3); Uncertain significance (1). 2 of the submissions do not count toward it. Last evaluated 2026-08-01.

Conditions:
Familial thyroid dyshormonogenesis. Identifiers: Orphanet 95716, MedGen C4273748, MONDO:0010132.
Thyroid dyshormonogenesis 6 (TDH6). Also called: Genetic transient congenital hypothyroidism; HYPOTHYROIDISM, CONGENITAL, DUE TO DYSHORMONOGENESIS, 6; THYROID HORMONOGENESIS, GENETIC DEFECT IN, 6. Identifiers: Orphanet 226316, Orphanet 95716, MedGen C1846632, MONDO:0011792, OMIM 607200.
Nongoitrous Euthyroid Hyperthyrotropinemia.
DUOX2-related disorder. Also called: DUOX2-related condition.
Inborn genetic diseases. Identifiers: MedGen C0950123, MeSH D030342.
Congenital hypothyroidism. Identifiers: Orphanet 442, MedGen C0010308, MONDO:0018612, HP:0000851.

Submissions 1 to 13 of 28:

CeGaT Center for Human Genetics Tuebingen
Classification: Pathogenic. Last evaluated: 2026-08-01. Review status: criteria provided, single submitter. Criteria: CeGaT Center For Human Genetics Tuebingen Variant Classification Criteria Version 2. Collection method: clinical testing. Allele origin: germline. Affected: yes. Observed: 2 variant alleles.
Comment: DUOX2: PM3:Very Strong, PVS1, PM2:Supporting

Cambridge Genomics Laboratory, East Genomic Laboratory Hub, NHS Genomic Medicine Service
Classification: Pathogenic for Congenital hypothyroidism. Last evaluated: 2026-06-16. Review status: criteria provided, single submitter. Criteria: ACGS Best Practice Guidelines for Variant Classification in Rare Disease 2020. Collection method: clinical testing. Allele origin: germline. Affected: yes.

Dasa
Classification: Pathogenic. Last evaluated: 2026-04-16. Review status: criteria provided, single submitter. Criteria: DASA Assertion Criteria. Collection method: clinical testing. Allele origin: germline.
Comment: NM_001363711.2(DUOX2):c.2895_2898del (p.Phe966Serfs*29) is a frameshift variant in DUOX2 predicted to alter the reading frame and introduce a premature termination codon and is predicted to result in an absent or altered protein product. Loss of function is an established disease mechanism for DUOX2-associated disorders. This variant has been recurrently observed in individuals with DUOX2-related disorders (PMID: 21565790; PMID: 24423310). Functional evidence supports an impact on the gene or gene product. Also, this variant is rare in population databases. Based on the currently available evidence, this variant is classified as pathogenic.

PreventionGenetics, part of Exact Sciences
Classification: Pathogenic for DUOX2-related condition. Last evaluated: 2026-02-18. Review status: criteria provided, single submitter. Criteria: ACMG Guidelines, 2015. Collection method: clinical testing. Allele origin: germline.
Comment: The DUOX2 c.2895_2898delGTTC variant is predicted to result in a frameshift and premature protein termination (p.Phe966Serfs*29). This variant has been reported in homozygous and compound heterozygous individuals diagnosed with congenital hypothyroidism (Muzza et al. 2013. PubMed ID: 24423310; Makretskaya et al. 2018. PubMed ID: 30240412). This variant in the heterozygous state may be associated with some mild clinical features of the disease (Patient 4 in Moreno et al. 2002. PubMed ID: 12110737; F23 in Nicholas et al. 2016. PubMed ID: 27525530). In the ClinVar database, this variant has been listed as likely pathogenic or pathogenic by multiple submitters (ClinVar Variation ID: 189229). This variant is reported in 1.2% of alleles in individuals of European (Finnish) descent in gnomAD, including 6 homozygotes. Frameshift variants in DUOX2 are expected to be pathogenic. This variant is interpreted as pathogenic.

OLLIN Analises Genomicas, OLLIN
Classification: Pathogenic for Thyroid dyshormonogenesis 6. Last evaluated: 2026-02-13. Review status: criteria provided, single submitter. Criteria: ACMG Guidelines 2015 PMID 25741868. Collection method: clinical testing. Allele origin: germline. Observed: 2 variant alleles.
Comment: PVS1, PS4_M, PM3

Labcorp Genetics (formerly Invitae), Labcorp
Classification: Pathogenic. Last evaluated: 2026-02-04. Review status: criteria provided, single submitter. Criteria: Invitae Variant Classification Sherloc (09022015). Collection method: clinical testing. Allele origin: germline.
Comment: This sequence change creates a premature translational stop signal (p.Phe966Serfs*29) in the DUOX2 gene. It is expected to result in an absent or disrupted protein product. Loss-of-function variants in DUOX2 are known to be pathogenic (PMID: 12110737, 18765513, 21565790, 24423310, 24735383). This variant is present in population databases (rs530719719, gnomAD 1.1%), and has an allele count higher than expected for a pathogenic variant. This premature translational stop signal has been observed in individual(s) with partial iodide organification defect (PMID: 21565790, 24423310). It has also been observed to segregate with disease in related individuals. ClinVar contains an entry for this variant (Variation ID: 189229). For these reasons, this variant has been classified as Pathogenic.

Ambry Genetics
Classification: Pathogenic for Inborn genetic diseases. Last evaluated: 2026-01-21. Review status: criteria provided, single submitter. Criteria: Ambry Variant Classification Scheme 2023. Collection method: clinical testing. Allele origin: germline.
Comment: The c.2895_2898delGTTC (p.F966Sfs*29) variant, located in exon 22 (coding exon 21) of the DUOX2 gene, results from a deletion of 4 nucleotides from position 2895 to 2898, causing a translational frameshift with a predicted alternate stop codon after 29 amino acids. This variant is expected to result in loss of function by premature protein truncation or nonsense-mediated mRNA decay. Based on data from gnomAD, this allele has an overall frequency of 0.294% (829/282026) total alleles studied. The highest observed frequency was 1.163% (292/25102) of European (Finnish) alleles. This variant has been observed in the homozygous, heterozygous, and compound heterozygous states in multiple unrelated individuals with both transient and permanent congenital hypothyroidism (CH) (Moreno, 2002; De Marco, 2011; Muzza, 2014; Abul&iacute;, 2016; Srichomkwun, 2017; Kizys, 2017; Repnikova, 2018; Makretskaya, 2018; Peters, 2019; Baz-Red&oacute;n, 2024). This amino acid position is highly conserved in available vertebrate species. Functional in vitro analyses performed on this mutation demonstrate nearly complete inhibition of hydrogen peroxide generation (De Marco, 2011; Muzza, 2014) and reduced cell surface protein expression compared to wildtype (De Marco, 2011). Based on the available evidence, this alteration is classified as pathogenic.

Variantyx, Inc.
Classification: Pathogenic for Thyroid dyshormonogenesis 6. Last evaluated: 2025-09-23. Review status: criteria provided, single submitter. Criteria: Variantyx Assertion Criteria 2022. Collection method: clinical testing. Allele origin: germline. Inheritance: Autosomal recessive inheritance. Affected: no.
Comment: This is a frameshift variant in the DUOX2 gene (OMIM: 606759). Pathogenic variants in this gene have been associated with autosomal recessive thyroid dyshormonogenesis 6. This variant introduces a premature termination codon in exon 28 out of 34 and is expected to result in loss of function, which is a known disease mechanism for DUOX2 in this disorder (PMID: 12110737, 18765513, 21565790, 24423310, 24735383) (PVS1). The alteration has been identified in the homozygous or compound heterozygous state in at least 16 individuals from the literature (PMID: 16322276, 24423310, 27821020, 30240412, 31030636) (PM3). It has a 0.2809% maximum allele frequency in non-founder control populations. Based on the current evidence, this variant is classified as pathogenic for autosomal recessive thyroid dyshormonogenesis 6.

Mayo Clinic Laboratories, Mayo Clinic
Classification: Pathogenic. Last evaluated: 2025-09-08. Review status: criteria provided, single submitter. Criteria: ACMG Guidelines, 2015. Collection method: clinical testing. Allele origin: germline. Observed: 1 variant allele.
Comment: PM3_strong, PVS1

MVZ Martinsried, Medicover Genetics
Classification: Likely pathogenic for Thyroid dyshormonogenesis 6. Last evaluated: 2025-03-06. Review status: criteria provided, single submitter. Criteria: ACGS Guidelines, 2020. Collection method: clinical testing. Allele origin: inherited. Affected: yes. Observed: 1 heterozygote.

Greenwood Genetic Center Diagnostic Laboratories, Greenwood Genetic Center
Classification: Pathogenic for Thyroid dyshormonogenesis 6. Last evaluated: 2024-12-17. Review status: criteria provided, single submitter. Criteria: ACMG Guidelines, 2015. Collection method: clinical testing. Allele origin: germline. Affected: yes.
Comment: PVS1, PS3_Moderate, PM3_Strong

Blueprint Genetics
Classification: Uncertain significance. Last evaluated: 2024-11-27. Review status: criteria provided, single submitter. Criteria: ACMG Guidelines, 2015. Collection method: clinical testing. Allele origin: germline.

Revvity Omics, Revvity
Classification: Likely pathogenic for Thyroid dyshormonogenesis 6. Last evaluated: 2024-10-09. Review status: criteria provided, single submitter. Criteria: ACMG Guidelines, 2015. Collection method: clinical testing. Allele origin: germline.

NM_001363711.2(DUOX2):c.2895_2898del (p.Phe966fs)

Gene: DUOX2 (dual oxidase 2; minus strand). Cytogenetic location: 15q21.1.
Variant type: Deletion.
Coding change: c.2895_2898del on transcript NM_001363711.2 (MANE Select); coding-DNA positions 2895 to 2898, 4 bases deleted (GTTC; older notation c.2895_2898delGTTC).
Protein change: p.Phe966fs; shifts the reading frame from phenylalanine 966.
Molecular consequence: frameshift variant.
Genome position (GRCh38, 1-based): chr15:45,101,228-45,101,231, GAAC deleted on the plus strand (GTTC on the coding strand, the reverse complement: DUOX2 is on the minus strand); deleting any 4 consecutive bases within chr15:45,101,228-45,101,233 gives the same sequence; the c. name uses the placement nearest the transcript's 3' end. VCF-style (leftmost placement, unchanged base first): chr15-45101227-TGAAC-T. GRCh37 (hg19) VCF-style: chr15-45393425-TGAAC-T.
Other names: p.Phe966SerfsTer29; p.Phe966Serfs*29; c.2895_2898delGTTC (NM_014080.5, NM_014080.4); c.2895_2898del, p.Phe966fs (NM_014080.5); short protein forms F966fs.
Identifiers: ClinVar variation 189229 (VCV000189229.61), dbSNP rs530719719, ClinGen allele CA199161.